The following is an entry in ClinVar:

NM_001171.6(ABCC6):c.1328A>G (p.Tyr443Cys)

Gene: ABCC6 (ATP binding cassette subfamily C member 6; minus strand). Cytogenetic location: 16p13.11.
Variant type: single nucleotide variant.
Coding change: c.1328A>G on transcript NM_001171.6 (MANE Select); coding-DNA position 1328, A replaced by G.
Protein change: p.Tyr443Cys; replaces tyrosine 443 with cysteine.
Molecular consequence: missense variant. On other transcripts: non-coding transcript variant (1).
Genome position (GRCh38, 1-based): chr16:16,198,031, T>C on the plus strand (A>G on the coding strand, the complement: ABCC6 is on the minus strand). VCF-style: chr16-16198031-T-C. GRCh37 (hg19) VCF-style: chr16-16291888-T-C.
Other names: c.986A>G, p.Tyr329Cys (NM_001351800.1); short protein forms Y329C, Y443C.
Identifiers: ClinVar variation 1986286 (VCV001986286.4), dbSNP rs142007498, ClinGen allele CA7926364.
Genomic context (GRCh38, chr16:16,198,031, plus strand): 5'-GGAGGGGGTGGGGGACTCCGTTCAAATCCCGTCTTCCTCCTCTGGCATACCTGCCAGAGA[T>C]AGACGAAGCAGACCACGATCCAGACGAGAGGCAGCCACAGCCCGTTGAGGTAGAGGACGC-3'
Protein context (NP_001162.5, residues 433-453): PLVWIVVCFV[Tyr443Cys]LWQLLGPSAL

ClinVar aggregate classification (germline): Uncertain significance (1 of 4 stars; one submission).

Allele frequency attached by ClinVar (database versions not stated): ExAC 0.00003; gnomAD 0.00003; TOPMed 0.00003; ESP Exome Variant Server 0.00008.
gnomAD v4.1: 42 of 1,614,020 alleles (0.0026%); highest among the groups gnomAD compares: African/African-American, 0.004%; no homozygotes.

Submission:

Labcorp Genetics (formerly Invitae), Labcorp
Classification: Uncertain significance. Last evaluated: 2026-01-18. Review status: criteria provided, single submitter. Criteria: Invitae Variant Classification Sherloc (09022015). Collection method: clinical testing. Allele origin: germline.
Comment: This sequence change replaces tyrosine, which is neutral and polar, with cysteine, which is neutral and slightly polar, at codon 443 of the ABCC6 protein (p.Tyr443Cys). This variant is present in population databases (rs142007498, gnomAD 0.01%). This variant has not been reported in the literature in individuals affected with ABCC6-related conditions. ClinVar contains an entry for this variant (Variation ID: 1986286). Invitae Evidence Modeling of protein sequence and biophysical properties (such as structural, functional, and spatial information, amino acid conservation, physicochemical variation, residue mobility, and thermodynamic stability) has been performed for this missense variant. However, the output from this modeling did not meet the statistical confidence thresholds required to predict the impact of this variant on ABCC6 protein function. In summary, the available evidence is currently insufficient to determine the role of this variant in disease. Therefore, it has been classified as a Variant of Uncertain Significance.